The following is an entry in ClinVar:

NM_000443.4(ABCB4):c.2682+1G>A

Gene: ABCB4 (ATP binding cassette subfamily B member 4; minus strand). Cytogenetic location: 7q21.12.
Variant type: single nucleotide variant.
Coding change: c.2682+1G>A on transcript NM_000443.4 (MANE Select); the canonical splice donor site of the intron after coding-DNA position 2682, G replaced by A.
Molecular consequence: splice donor variant.
Genome position (GRCh38, 1-based): chr7:87,417,311, C>T on the plus strand (G>A on the coding strand, the complement: ABCB4 is on the minus strand). VCF-style: chr7-87417311-C-T. GRCh37 (hg19) VCF-style: chr7-87046627-C-T.
Other names: c.2682+1G>A (NM_018850.3, NM_018849.3).
Identifiers: ClinVar variation 1685489 (VCV001685489.4), dbSNP rs1012575668, ClinGen allele CA162106113.

ClinVar aggregate classification (germline): Pathogenic/Likely pathogenic. Review status: criteria provided, multiple submitters, no conflicts (2 of 4 stars). 4 submissions from 4 submitters: Pathogenic (2); Likely pathogenic (2). Last evaluated 2026-04-14.

Conditions:
Progressive familial intrahepatic cholestasis type 3. Also called: Low Gamma-GT Familial Intrahepatic Cholestasis; MDR3 DEFICIENCY. Identifiers: Orphanet 79305, MedGen C1865643, MONDO:0011214, OMIM 602347.
Cholestasis, intrahepatic, of pregnancy, 3. Identifiers: Orphanet 69665, MedGen C3554241, MONDO:0013995, OMIM 614972.
Low phospholipid associated cholelithiasis (GBD1). Also called: Gallbladder disease 1; Gallstone cholecystitis. Identifiers: Orphanet 69663, MedGen C2609268, MONDO:0010939, OMIM 600803.
Familial intrahepatic cholestasis. Identifiers: Orphanet 284385, MedGen CN296401, MONDO:0017290.

Allele frequency attached by ClinVar (database versions not stated): gnomAD exomes below 0.00001.
gnomAD v4.1: 2 of 1,613,940 alleles (0.00012%); highest among the groups gnomAD compares: East Asian, 0.0022%; no homozygotes.

Submissions (4):

Genomenon, Inc
Classification: Pathogenic for Familial intrahepatic cholestasis. Last evaluated: 2026-04-14. Review status: criteria provided, single submitter. Criteria: Genomenon Sequence Variant Interpretation Standards - Updated. Collection method: curation. Allele origin: germline. Affected: yes.
Comment: ABCB4 c.2682+1G>A is a canonical splice variant affecting the donor splice site of intron 21. It is predicted to affect mRNA splicing, leading to a deleterious effect on the ABCB4 protein. This variant has been observed in at least one proband with an ABCB4-related disorder (PMID:26699824;15077010). The variant was found to segregate with disease in at least one affected family (PMID:26699824). It is absent or not present at a significant frequency in gnomAD. In conclusion, we classify ABCB4 c.2682+1G>A as a pathogenic variant.

GeneDx
Classification: Likely pathogenic. Last evaluated: 2025-08-04. Review status: criteria provided, single submitter. Criteria: GeneDx Variant Classification Process June 2021. Collection method: clinical testing. Allele origin: germline. Affected: yes.
Comment: Canonical splice site variant predicted to result in an in-frame loss of the adjacent exon in a gene for which loss of function is a known mechanism of disease; Not observed at significant frequency in large population cohorts (gnomAD); This variant is associated with the following publications: (PMID: 25525159, 15077010, 26699824, 32893960)

Department of Pathology and Laboratory Medicine, Sinai Health System
Classification: Likely pathogenic for Low phospholipid associated cholelithiasis; Cholestasis, intrahepatic, of pregnancy, 3; Progressive familial intrahepatic cholestasis type 3. Last evaluated: 2022-10-28. Review status: criteria provided, single submitter. Criteria: ACMG Guidelines, 2015. Collection method: research. Allele origin: germline.

Mendelics
Classification: Pathogenic for Low phospholipid associated cholelithiasis. Last evaluated: 2022-05-04. Review status: criteria provided, single submitter. Criteria: Mendelics Assertion Criteria 2019. Collection method: clinical testing. Allele origin: germline.

Literature cited by the submitters: PubMed 26699824 (cited by Genomenon, Inc); PubMed 15077010 (cited by Genomenon, Inc).